The following is an entry in ClinVar:

NM_001267550.2(TTN):c.19204A>G (p.Met6402Val)

Gene: TTN (titin; minus strand). Cytogenetic location: 2q31.2.
Variant type: single nucleotide variant.
Coding change: c.19204A>G on transcript NM_001267550.2 (MANE Select); coding-DNA position 19204, A replaced by G.
Protein change: p.Met6402Val; replaces methionine 6402 with valine.
Molecular consequence: missense variant. On other transcripts: intron variant (3).
Genome position (GRCh38, 1-based): chr2:178,728,722, T>C on the plus strand (A>G on the coding strand, the complement: TTN is on the minus strand). VCF-style: chr2-178728722-T-C. GRCh37 (hg19) VCF-style: chr2-179593449-T-C.
Other names: p.M6085V:ATG>GTG; c.13282+9360A>G (NM_003319.4); c.13858+9360A>G (NM_133437.4); c.13657+9360A>G (NM_133432.3); c.18253A>G, p.Met6085Val (NM_001256850.1); c.15472A>G, p.Met5158Val (NM_133378.4); short protein forms M6402V, M5158V, M6085V.
Identifiers: ClinVar variation 46655 (VCV000046655.53), dbSNP rs72648954, ClinGen allele CA282748.

ClinVar aggregate classification (germline): Benign/Likely benign. Review status: criteria provided, multiple submitters, no conflicts (2 of 4 stars). 27 submissions from 20 submitters: Benign (20); Likely benign (3). 4 of the submissions do not count toward it. Last evaluated 2026-02-04.

Conditions:
Cardiovascular phenotype. Identifiers: MedGen CN230736.
Dilated cardiomyopathy 1G (CMD1G). Identifiers: Orphanet 154, MedGen C1858763, MONDO:0011400, OMIM 604145.
Autosomal recessive limb-girdle muscular dystrophy type 2J (LGMDR10). Also called: Limb-girdle muscular dystrophy, type 2J; MUSCULAR DYSTROPHY, LIMB-GIRDLE, AUTOSOMAL RECESSIVE 10. Identifiers: Orphanet 140922, MedGen C1837342, MONDO:0012127, OMIM 608807.
Cardiomyopathy (CMYO). Also called: Cardiomyopathies. Identifiers: Orphanet 167848, MedGen C0878544, MONDO:0004994, HP:0001638. Inheritance: Various modes of inheritance.
Early-onset myopathy with fatal cardiomyopathy (CMYO5). Also called: CONGENITAL MYOPATHY 5 WITH CARDIOMYOPATHY; Salih Myopathy. Identifiers: Orphanet 289377, MedGen C2673677, MONDO:0012714, OMIM 611705. Disease mechanism: loss of function.
Myopathy, myofibrillar, 9, with early respiratory failure (MFM9). Also called: MYOPATHY, PROXIMAL, WITH EARLY RESPIRATORY MUSCLE INVOLVEMENT; Myopathy, distal, with early respiratory failure, autosomal dominant; Hereditary myopathy with early respiratory failure; EDSTROM MYOPATHY. Identifiers: Orphanet 178464, Orphanet 34521, MedGen C1863599, MONDO:0011362, OMIM 603689.
Tibial muscular dystrophy (TMD). Also called: Tibial muscular dystrophy, tardive; UDD MYOPATHY; Udd Distal Myopathy – Tibial Muscular Dystrophy. Identifiers: Orphanet 609, MedGen C1838244, MONDO:0010870, OMIM 600334.

Allele frequency attached by ClinVar (database versions not stated): gnomAD exomes 0.00173 and 0.00410; ExAC 0.00488; ESP Exome Variant Server 0.01412; 1000 Genomes Project 0.01498; gnomAD 0.01539 and 0.01649; 1000 Genomes Project 30x 0.01608; TOPMed 0.01744.
gnomAD v4.1: 5,033 of 1,611,378 alleles (0.31%); highest among the groups gnomAD compares: African/African-American, 5.1%; 113 homozygotes.

Submissions (27):

Labcorp Genetics (formerly Invitae), Labcorp
Classification: Benign for Dilated cardiomyopathy 1G; Autosomal recessive limb-girdle muscular dystrophy type 2J. Last evaluated: 2026-02-04. Review status: criteria provided, single submitter. Criteria: Invitae Variant Classification Sherloc (09022015). Collection method: clinical testing. Allele origin: germline.

ARUP Laboratories, Molecular Genetics and Genomics, ARUP Laboratories
Classification: Benign. Last evaluated: 2025-07-01. Review status: criteria provided, single submitter. Criteria: ARUP Molecular Germline Variant Investigation Process 2024. Collection method: clinical testing. Allele origin: germline.

Molecular Diagnostic Laboratory for Inherited Cardiovascular Disease, Montreal Heart Institute
Classification: Benign. Last evaluated: 2025-04-09. Review status: criteria provided, single submitter. Criteria: ACMG Guidelines, 2015. Collection method: clinical testing. Allele origin: germline. Affected: no.

Women's Health and Genetics/Laboratory Corporation of America, LabCorp
Classification: Likely benign. Last evaluated: 2024-03-28. Review status: criteria provided, single submitter. Criteria: LabCorp Variant Classification Summary - May 2015. Collection method: clinical testing. Allele origin: germline.

Genome-Nilou Lab
Classification: Benign for Autosomal recessive limb-girdle muscular dystrophy type 2J. Last evaluated: 2021-09-10. Review status: criteria provided, single submitter. Criteria: ACMG Guidelines, 2015. Collection method: clinical testing. Allele origin: germline. Affected: no.

Genome-Nilou Lab
Classification: Benign for Myopathy, myofibrillar, 9, with early respiratory failure. Last evaluated: 2021-09-10. Review status: criteria provided, single submitter. Criteria: ACMG Guidelines, 2015. Collection method: clinical testing. Allele origin: germline. Affected: no.

Genome-Nilou Lab
Classification: Benign for Early-onset myopathy with fatal cardiomyopathy. Last evaluated: 2021-09-10. Review status: criteria provided, single submitter. Criteria: ACMG Guidelines, 2015. Collection method: clinical testing. Allele origin: germline. Affected: no.

Genome-Nilou Lab
Classification: Benign for Tibial muscular dystrophy. Last evaluated: 2021-09-10. Review status: criteria provided, single submitter. Criteria: ACMG Guidelines, 2015. Collection method: clinical testing. Allele origin: germline. Affected: no.

Mayo Clinic Laboratories, Mayo Clinic
Classification: Benign. Last evaluated: 2019-09-27. Review status: criteria provided, single submitter. Criteria: ACMG Guidelines, 2015. Collection method: clinical testing. Allele origin: germline. Observed: 27 variant alleles.

Athena Diagnostics
Classification: Benign. Last evaluated: 2019-05-09. Review status: criteria provided, single submitter. Criteria: Athena Diagnostics Criteria. Collection method: clinical testing. Allele origin: germline.

Illumina Laboratory Services, Illumina
Classification: Benign for Early-onset myopathy with fatal cardiomyopathy. Last evaluated: 2018-01-13. Review status: criteria provided, single submitter. Criteria: ICSL Variant Classification Criteria 13 December 2019. Collection method: clinical testing. Allele origin: germline.
Comment: This variant was observed in the ICSL laboratory as part of a predisposition screen in an ostensibly healthy population. It had not been previously curated by ICSL or reported in the Human Gene Mutation Database (HGMD: prior to June 1st, 2018), and was therefore a candidate for classification through an automated scoring system. Utilizing variant allele frequency, disease prevalence and penetrance estimates, and inheritance mode, an automated score was calculated to assess if this variant is too frequent to cause the disease. Based on the score and internal cut-off values, a variant classified as benign is not then subjected to further curation. The score for this variant resulted in a classification of benign for this disease.

Illumina Laboratory Services, Illumina
Classification: Likely benign for Dilated cardiomyopathy 1G. Last evaluated: 2018-01-13. Review status: criteria provided, single submitter. Criteria: ICSL Variant Classification Criteria 13 December 2019. Collection method: clinical testing. Allele origin: germline.
Comment: This variant was observed in the ICSL laboratory as part of a predisposition screen in an ostensibly healthy population. It had not been previously curated by ICSL or reported in the Human Gene Mutation Database (HGMD: prior to June 1st, 2018), and was therefore a candidate for classification through an automated scoring system. Utilizing variant allele frequency, disease prevalence and penetrance estimates, and inheritance mode, an automated score was calculated to assess if this variant is too frequent to cause the disease. Based on the score and internal cut-off values, a variant classified as likely benign is not then subjected to further curation. The score for this variant resulted in a classification of likely benign for this disease.

Illumina Laboratory Services, Illumina
Classification: Benign for Tibial muscular dystrophy. Last evaluated: 2018-01-13. Review status: criteria provided, single submitter. Criteria: ICSL Variant Classification Criteria 13 December 2019. Collection method: clinical testing. Allele origin: germline.
Comment: the same text as in the submission from Illumina Laboratory Services, Illumina above.

Illumina Laboratory Services, Illumina
Classification: Benign for Myopathy, myofibrillar, 9, with early respiratory failure. Last evaluated: 2018-01-13. Review status: criteria provided, single submitter. Criteria: ICSL Variant Classification Criteria 13 December 2019. Collection method: clinical testing. Allele origin: germline.
Comment: the same text as in the submission from Illumina Laboratory Services, Illumina above.

Illumina Laboratory Services, Illumina
Classification: Benign for Autosomal recessive limb-girdle muscular dystrophy type 2J. Last evaluated: 2018-01-13. Review status: criteria provided, single submitter. Criteria: ICSL Variant Classification Criteria 13 December 2019. Collection method: clinical testing. Allele origin: germline.
Comment: the same text as in the submission from Illumina Laboratory Services, Illumina above.

CHEO Genetics Diagnostic Laboratory, Children's Hospital of Eastern Ontario
Classification: Benign for Cardiomyopathy. Last evaluated: 2016-03-02. Review status: criteria provided, single submitter. Criteria: ACMG Guidelines, 2015. Collection method: clinical testing. Allele origin: germline. Study: Canadian Open Genetics Repository.

GeneDx
Classification: Benign. Last evaluated: 2014-03-26. Review status: criteria provided, single submitter. Criteria: GeneDx Variant Classification (06012015). Collection method: clinical testing. Allele origin: germline. Affected: yes.
Comment: This variant is considered likely benign or benign based on one or more of the following criteria: it is a conservative change, it occurs at a poorly conserved position in the protein, it is predicted to be benign by multiple in silico algorithms, and/or has population frequency not consistent with disease.

Genetic Services Laboratory, University of Chicago
Classification: Benign for AllHighlyPenetrant. Last evaluated: 2013-08-15. Review status: criteria provided, single submitter. Criteria: ACMG Guidelines, 2007. Collection method: clinical testing. Allele origin: germline.

Biesecker Lab/Clinical Genomics Section, National Institutes of Health
Classification: Benign. Last evaluated: 2013-06-24. Review status: criteria provided, single submitter. Criteria: Ng et al. (Circ Cardiovasc Genet. 2013). Collection method: research. Allele origin: unknown. Observed: 8 variant alleles. Study: ClinSeq.
Comment: The study set was not selected for affection status in relation to any cancer. Pathogenicity categories were based on literature curation. See Pubmed ID:23861362 for details.

Medical sequencing

Ambry Genetics
Classification: Benign for Cardiovascular phenotype. Last evaluated: 2012-12-14. Review status: criteria provided, single submitter. Criteria: Ambry Autosomal Dominant and X-Linked criteria (10/2015). Collection method: clinical testing. Allele origin: germline. Observed: 1 variant allele.

Laboratory for Molecular Medicine, Mass General Brigham Personalized Medicine
Classification: Benign. Last evaluated: 2012-07-06. Review status: criteria provided, single submitter. Criteria: LMM Criteria. Collection method: clinical testing. Allele origin: germline. Observed: 29 variant alleles.
Comment: 4.4% (165/3748) in Afr Amer chrom from ESP

Breakthrough Genomics
Classification: Likely benign. Review status: criteria provided, single submitter. Criteria: ACMG Guidelines, 2015. Collection method: not provided. Allele origin: germline. Inheritance: Autosomal recessive inheritance. Affected: yes.

PreventionGenetics, part of Exact Sciences
Classification: Benign. Review status: criteria provided, single submitter. Criteria: ACMG Guidelines, 2015. Collection method: clinical testing. Allele origin: germline.

Clinical Genetics DNA and cytogenetics Diagnostics Lab, Erasmus MC, Erasmus Medical Center
Classification: Benign. Review status: no assertion criteria provided. Collection method: clinical testing. Allele origin: germline. Affected: yes. Study: VKGL Data-share Consensus. Not counted in ClinVar's aggregate classification.

Clinical Genetics, Academic Medical Center
Classification: Benign. Review status: no assertion criteria provided. Collection method: clinical testing. Allele origin: germline. Affected: yes. Study: VKGL Data-share Consensus. Not counted in ClinVar's aggregate classification.

Diagnostic Laboratory, Department of Genetics, University Medical Center Groningen
Classification: Likely benign. Review status: no assertion criteria provided. Collection method: clinical testing. Allele origin: germline. Affected: yes. Study: VKGL Data-share Consensus. Not counted in ClinVar's aggregate classification.

Laboratory of Diagnostic Genome Analysis, Leiden University Medical Center (LUMC)
Classification: Likely benign. Review status: no assertion criteria provided. Collection method: clinical testing. Allele origin: germline. Affected: yes. Study: VKGL Data-share Consensus. Not counted in ClinVar's aggregate classification.